The following is an entry in ClinVar:

ClinVar aggregate classification (germline): Likely benign (1 of 4 stars; one submission).

Submission:

CeGaT Center for Human Genetics Tuebingen
Classification: Likely benign. Last evaluated: 2025-02-01. Review status: criteria provided, single submitter. Criteria: CeGaT Center For Human Genetics Tuebingen Variant Classification Criteria Version 2. Collection method: clinical testing. Allele origin: germline. Affected: yes. Observed: 1 variant allele.
Comment: KRTAP1-5: BP4, BP7

NM_031957.2(KRTAP1-5):c.165C>A (p.Thr55=)

Gene: KRTAP1-5 (keratin associated protein 1-5; minus strand). Cytogenetic location: 17q21.2.
Variant type: single nucleotide variant.
Coding change: c.165C>A on transcript NM_031957.2 (MANE Select); coding-DNA position 165, C replaced by A.
Protein change: p.Thr55=; no amino-acid change (threonine 55 retained).
Molecular consequence: synonymous variant.
Genome position (GRCh38, 1-based): chr17:41,026,991, G>T on the plus strand (C>A on the coding strand, the complement: KRTAP1-5 is on the minus strand). VCF-style: chr17-41026991-G-T. GRCh37 (hg19) VCF-style: chr17-39183243-G-T.
Identifiers: ClinVar variation 3770812 (VCV003770812.13).